The following is an entry in ClinVar:

NM_173689.7(CRB2):c.83C>A (p.Ser28Tyr)

Gene: CRB2 (crumbs cell polarity complex component 2; plus strand). Cytogenetic location: 9q33.3.
Variant type: single nucleotide variant.
Coding change: c.83C>A on transcript NM_173689.7 (MANE Select); coding-DNA position 83, C replaced by A.
Protein change: p.Ser28Tyr; replaces serine 28 with tyrosine.
Molecular consequence: missense variant.
Genome position (GRCh38, 1-based): chr9:123,356,343, C>A. VCF-style: chr9-123356343-C-A. GRCh37 (hg19) VCF-style: chr9-126118622-C-A.
Other names: c.83C>A (NM_173689.5); short protein forms S28Y.
Identifiers: ClinVar variation 1485285 (VCV001485285.9), dbSNP rs745391116, ClinGen allele CA5231538.
Genomic context (GRCh38, chr9:123,356,343, plus strand): 5'-CCCCGGACCCCCAGGCCCTGGCCTCTGTCCTGCTACTGCTGCTCTGGGCCCCTGCCCTTT[C>A]CCTCCTGGCTGGTGAGTTGGGGCCCATGTCTGGAGGGGCCTGGGAGAGGGTCTGTCCCCC-3'
Protein context (NP_775960.4, residues 18-38): LLLLLWAPAL[Ser28Tyr]LLAGTVPSEP

ClinVar aggregate classification (germline): Uncertain significance. Review status: criteria provided, multiple submitters, no conflicts (2 of 4 stars). 2 submissions from 2 submitters: Uncertain significance (2). Last evaluated 2024-12-03.

Conditions:
Inborn genetic diseases. Identifiers: MedGen C0950123, MeSH D030342.

Allele frequency attached by ClinVar (database versions not stated): gnomAD 0.00001; TOPMed 0.00002; ExAC 0.00006.
gnomAD v4.1: 4 of 1,546,892 alleles (0.00026%); highest among the groups gnomAD compares: African/African-American, 0.0041%; no homozygotes.

Submissions (2):

Ambry Genetics
Classification: Uncertain significance for Inborn genetic diseases. Last evaluated: 2024-12-03. Review status: criteria provided, single submitter. Criteria: Ambry Variant Classification Scheme 2023. Collection method: clinical testing. Allele origin: germline.

Labcorp Genetics (formerly Invitae), Labcorp
Classification: Uncertain significance. Last evaluated: 2021-01-04. Review status: criteria provided, single submitter. Criteria: Invitae Variant Classification Sherloc (09022015). Collection method: clinical testing. Allele origin: germline.
Comment: In summary, the available evidence is currently insufficient to determine the role of this variant in disease. Therefore, it has been classified as a Variant of Uncertain Significance. Advanced modeling of protein sequence and biophysical properties (such as structural, functional, and spatial information, amino acid conservation, physicochemical variation, residue mobility, and thermodynamic stability) performed at Invitae indicates that this missense variant is not expected to disrupt CRB2 protein function. This variant has not been reported in the literature in individuals with CRB2-related conditions. This variant is present in population databases (rs745391116, ExAC 0.06%). This sequence change replaces serine with tyrosine at codon 28 of the CRB2 protein (p.Ser28Tyr). The serine residue is weakly conserved and there is a large physicochemical difference between serine and tyrosine.